The following is an entry in ClinVar:

ClinVar aggregate classification (germline): Benign. Review status: criteria provided, multiple submitters, no conflicts (2 of 4 stars). 4 submissions from 4 submitters: Benign (2). 2 of the submissions do not count toward it. Last evaluated 2025-02-16.

Conditions:
Venous thromboembolism. Identifiers: MedGen C1861172, MeSH D054556, MONDO:0005399.
Leigh syndrome (NULS). Also called: Leigh's syndrome; Leigh Disease; Subacute necrotizing encephalopathy; Necrotizing encephalopathy infantile subacute of Leigh; Leigh's necrotizing encephalopathy; Leigh's disease. Identifiers: Orphanet 506, MedGen C2931891, MONDO:0009723, OMIM 256000.
Familial cancer of breast. Also called: BREAST CANCER, FAMILIAL; Hereditary breast cancer; hereditary breast carcinoma. Identifiers: Orphanet 227535, MedGen C0346153, MONDO:0016419, OMIM 114480. Disease mechanism: loss of function.

Submissions (4):

Laboratory of Genetics, Children's Clinical University Hospital Latvia
Classification: Benign. Last evaluated: 2025-02-16. Review status: criteria provided, single submitter. Criteria: ACMG Guidelines, 2015. Collection method: clinical testing. Allele origin: germline. Affected: yes.

Wong Mito Lab, Molecular and Human Genetics, Baylor College of Medicine
Classification: Benign for Leigh syndrome. Last evaluated: 2019-10-17. Review status: criteria provided, single submitter. Criteria: Modified ACMG Guidelines (Unpublished). Collection method: clinical testing. Allele origin: germline.
Comment: The NC_012920.1:m.14766C>T (YP_003024038.1:p.Thr7Ile) variant in MTCYB gene is interpretated to be a Benign variant based on the modified ACMG guidelines (unpublished). This variant meets the following evidence codes: BA1

Department of Zoology Govt. MVM College
Classification: Likely pathogenic for Familial cancer of breast. Review status: no assertion criteria provided. Collection method: not provided. Allele origin: unknown. Not counted in ClinVar's aggregate classification.
Comment: Our Seq: KM077020
ClinVar note: Converted during submission from probable-pathogenic to Likely pathogenic.

Genomics Division, Defence Institute of Physiology and Allied Sciences
Classification: Likely risk allele for VENOUS THROMBOEMBOLISM. Review status: no assertion criteria provided. Collection method: case-control. Allele origin: maternal. Inheritance: Mitochondrial inheritance. Affected: yes. Observed: 11 variant alleles. Not counted in ClinVar's aggregate classification.

NC_012920.1(MT-CYB):m.14766C>T

Gene: MT-CYB (mitochondrially encoded cytochrome b; plus strand).
Variant type: single nucleotide variant.
Genome position: chrM-14766-C-T.
Identifiers: ClinVar variation 140587 (VCV000140587.7), dbSNP rs193302980, ClinGen allele CA345703.
Genomic context (GRCh38, chrMT:14,766, plus strand): 5'-ATATGAAAAACCATCGTTGTATTTCAACTACAAGAACACCAATGACCCCAATACGCAAAA[C>T]TAACCCCCTAATAAAATTAATTAACCACTCATTCATCGACCTCCCCACCCCATCCAACAT-3'